The following is an entry in ClinVar:

ClinVar aggregate classification (germline): Benign/Likely benign. Review status: criteria provided, multiple submitters, no conflicts (2 of 4 stars). 4 submissions from 4 submitters: Benign (1); Likely benign (2). 1 of the submissions does not count toward it. Last evaluated 2025-02-26.

Conditions:
RET-related disorder. Also called: RET-related condition; RET-related disease; RET-related disorders.
Hereditary cancer-predisposing syndrome. Also called: Tumor predisposition; Neoplastic Syndromes, Hereditary; Hereditary Cancer Syndrome; Hereditary neoplastic syndrome. Identifiers: Orphanet 140162, MedGen C0027672, MeSH D009386, MONDO:0015356.
Multiple endocrine neoplasia, type 2 (MEN2). Identifiers: Orphanet 653, MedGen C4048306, MONDO:0019003. Disease mechanism: gain of function.
Multiple endocrine neoplasia type 2A. Also called: MULTIPLE ENDOCRINE NEOPLASIA, TYPE IIA; PTC SYNDROME; SIPPLE SYNDROME; MEN 2A; MEN-2A syndrome; Pheochromocytoma and amyloid producing medullary thyroid carcinoma. Identifiers: Orphanet 247698, Orphanet 653, MedGen C0025268, MeSH D018813, MONDO:0008234, OMIM 171400.

Allele frequency attached by ClinVar (database versions not stated): gnomAD exomes below 0.00001; gnomAD 0.00001; TOPMed 0.00001.
gnomAD v4.1: 3 of 1,611,398 alleles (0.00019%); highest among the groups gnomAD compares: African/African-American, 0.004%; no homozygotes.

Submissions (4):

Myriad Genetics, Inc.
Classification: Benign for Multiple endocrine neoplasia type 2A. Last evaluated: 2025-02-26. Review status: criteria provided, single submitter. Criteria: Myriad Autosomal Dominant, Autosomal Recessive and X-Linked Classification Criteria (2023). Collection method: clinical testing. Allele origin: unknown.
Comment: This variant is considered benign. This variant is a silent/synonymous amino acid change and it is not expected to impact splicing.

Labcorp Genetics (formerly Invitae), Labcorp
Classification: Likely benign for Multiple endocrine neoplasia, type 2. Last evaluated: 2025-02-02. Review status: criteria provided, single submitter. Criteria: Invitae Variant Classification Sherloc (09022015). Collection method: clinical testing. Allele origin: germline.

Ambry Genetics
Classification: Likely benign for Hereditary cancer-predisposing syndrome. Last evaluated: 2022-04-04. Review status: criteria provided, single submitter. Criteria: Ambry Variant Classification Scheme 2023. Collection method: clinical testing. Allele origin: germline.

PreventionGenetics, part of Exact Sciences
Classification: Likely benign for RET-related condition. Last evaluated: 2023-05-10. Review status: no assertion criteria provided. Collection method: clinical testing. Allele origin: germline. Not counted in ClinVar's aggregate classification.
Comment: This variant is classified as likely benign based on ACMG/AMP sequence variant interpretation guidelines (Richards et al. 2015 PMID: 25741868, with internal and published modifications).

NM_020975.6(RET):c.1956G>A (p.Leu652=)

Gene: RET (ret proto-oncogene; plus strand). Cytogenetic location: 10q11.21.
Variant type: single nucleotide variant.
Coding change: c.1956G>A on transcript NM_020975.6 (MANE Select); coding-DNA position 1956, G replaced by A.
Protein change: p.Leu652=; no amino-acid change (leucine 652 retained).
Molecular consequence: synonymous variant. On other transcripts: intron variant (4).
Genome position (GRCh38, 1-based): chr10:43,114,556, G>A. VCF-style: chr10-43114556-G-A. GRCh37 (hg19) VCF-style: chr10-43610004-G-A.
Other names: c.1560G>A, p.Leu520= (NM_001406772.1, NM_001406769.1); c.1518G>A, p.Leu506= (NM_001406773.1, NM_001406771.1); c.1431G>A, p.Leu477= (NM_001406774.1); c.1230G>A, p.Leu410= (NM_001406775.1, NM_001406776.1, NM_001406777.1 and 1 more transcripts); c.1059G>A, p.Leu353= (NM_001406779.1, NM_001406780.1, NM_001406781.1 and 1 more transcripts); c.930G>A, p.Leu310= (NM_001406783.1, NM_001406786.1); c.966G>A, p.Leu322= (NM_001406784.1); c.939G>A, p.Leu313= (NM_001406785.1); and 10 more.
Identifiers: ClinVar variation 760115 (VCV000760115.14), dbSNP rs954292063, ClinGen allele CA206262919.
Genomic context (GRCh38, chr10:43,114,556, plus strand): 5'-GCTGTGCCGCACGGTGATCGCAGCCGCTGTCCTCTTCTCCTTCATCGTCTCGGTGCTGCT[G>A]TCTGCCTTCTGCATCCACTGCTACCACAAGTTTGCCCACAAGCCACCCATCTCCTCAGCT-3'
Protein context (NP_066124.1, residues 642-662): VLFSFIVSVL[Leu652=]SAFCIHCYHK